The following is an entry in ClinVar:

ClinVar aggregate classification (germline): Uncertain significance (1 of 4 stars; one submission).

Conditions:
Dilated cardiomyopathy 1KK (CMD1KK). Identifiers: Orphanet 154, Orphanet 75249, MedGen C3714995, MONDO:0014100, OMIM 615248.

Allele frequency attached by ClinVar (database versions not stated): gnomAD exomes below 0.00001.
gnomAD v4.1: 3 of 1,613,008 alleles (0.00019%); highest among the groups gnomAD compares: Non-Finnish European, 0.00017%; no homozygotes.

Submission:

Labcorp Genetics (formerly Invitae), Labcorp
Classification: Uncertain significance for Dilated cardiomyopathy 1KK. Last evaluated: 2022-06-22. Review status: criteria provided, single submitter. Criteria: Invitae Variant Classification Sherloc (09022015). Collection method: clinical testing. Allele origin: germline.
Comment: In summary, the available evidence is currently insufficient to determine the role of this variant in disease. Therefore, it has been classified as a Variant of Uncertain Significance. Algorithms developed to predict the effect of missense changes on protein structure and function are either unavailable or do not agree on the potential impact of this missense change (SIFT: "Deleterious"; PolyPhen-2: "Benign"; Align-GVGD: "Class C0"). This variant has not been reported in the literature in individuals affected with MYPN-related conditions. This variant is not present in population databases (gnomAD no frequency). This sequence change replaces glutamic acid, which is acidic and polar, with aspartic acid, which is acidic and polar, at codon 237 of the MYPN protein (p.Glu237Asp).

NM_032578.4(MYPN):c.711A>C (p.Glu237Asp)

Gene: MYPN (myopalladin; plus strand). Cytogenetic location: 10q21.3.
Variant type: single nucleotide variant.
Coding change: c.711A>C on transcript NM_032578.4 (MANE Select); coding-DNA position 711, A replaced by C.
Protein change: p.Glu237Asp; replaces glutamic acid 237 with aspartic acid.
Molecular consequence: missense variant. On other transcripts: 5 prime UTR variant (1), non-coding transcript variant (1).
Genome position (GRCh38, 1-based): chr10:68,122,149, A>C. VCF-style: chr10-68122149-A-C. GRCh37 (hg19) VCF-style: chr10-69881906-A-C.
Other names: c.711A>C, p.Glu237Asp (NM_001256267.2); c.-412A>C (NM_001256268.2); short protein forms E237D.
Identifiers: ClinVar variation 2067129 (VCV002067129.4), dbSNP rs2042253748, ClinGen allele CA377104960.